The following is an entry in ClinVar:

ClinVar aggregate classification (germline): Uncertain significance. Review status: criteria provided, multiple submitters, no conflicts (2 of 4 stars). 2 submissions from 2 submitters: Uncertain significance (2). Last evaluated 2025-07-24.

Conditions:
Primary ciliary dyskinesia. Also called: Ciliary dyskinesia. Identifiers: Orphanet 244, MedGen C0008780, MONDO:0016575, HP:0012265.

gnomAD v4.1: 5 of 1,608,894 alleles (0.00031%); highest among the groups gnomAD compares: Admixed American, 0.005%; no homozygotes.

Submissions (2):

Ambry Genetics
Classification: Uncertain significance for Primary ciliary dyskinesia. Last evaluated: 2025-07-24. Review status: criteria provided, single submitter. Criteria: Ambry Variant Classification Scheme 2023. Collection method: clinical testing. Allele origin: germline.
Comment: The p.L178F variant (also known as c.534G>T), located in coding exon 3 of the ARMC4 gene, results from a G to T substitution at nucleotide position 534. The leucine at codon 178 is replaced by phenylalanine, an amino acid with highly similar properties. This amino acid position is conserved. In addition, this alteration is predicted to be tolerated by in silico analysis. Based on the available evidence, the clinical significance of this variant remains unclear.

GeneDx
Classification: Uncertain significance. Last evaluated: 2022-09-27. Review status: criteria provided, single submitter. Criteria: GeneDx Variant Classification Process June 2021. Collection method: clinical testing. Allele origin: germline. Affected: yes.
Comment: In silico analysis supports that this missense variant does not alter protein structure/function; Has not been previously published as pathogenic or benign to our knowledge

NM_018076.5(ODAD2):c.534G>T (p.Leu178Phe)

Gene: ODAD2 (outer dynein arm docking complex subunit 2; minus strand). Cytogenetic location: 10p12.1.
Variant type: single nucleotide variant.
Coding change: c.534G>T on transcript NM_018076.5 (MANE Select); coding-DNA position 534, G replaced by T.
Protein change: p.Leu178Phe; replaces leucine 178 with phenylalanine.
Molecular consequence: missense variant.
Genome position (GRCh38, 1-based): chr10:27,985,060, C>A on the plus strand (G>T on the coding strand, the complement: ODAD2 is on the minus strand). VCF-style: chr10-27985060-C-A. GRCh37 (hg19) VCF-style: chr10-28273989-C-A.
Other names: c.534G>T (NM_018076.3); c.534G>T, p.Leu178Phe (NM_001290020.2); short protein forms L178F.
Identifiers: ClinVar variation 2315441 (VCV002315441.4), dbSNP rs550542420, ClinGen allele CA376397005.